The following is an entry in ClinVar:

ClinVar aggregate classification (germline): Pathogenic. Review status: criteria provided, multiple submitters, no conflicts (2 of 4 stars). 2 submissions from 2 submitters: Pathogenic (2). Last evaluated 2025-07-15.

Conditions:
Capillary malformation-arteriovenous malformation syndrome. Also called: Capillary malformation-arteriovenous malformation. Identifiers: Orphanet 137667, MedGen C1842180, MONDO:0012016.
Cardiovascular phenotype. Identifiers: MedGen CN230736.

Submissions (2):

Ambry Genetics
Classification: Pathogenic for Cardiovascular phenotype. Last evaluated: 2025-07-15. Review status: criteria provided, single submitter. Criteria: Ambry Variant Classification Scheme 2023. Collection method: clinical testing. Allele origin: germline.
Comment: The c.611dupA (p.Y204*) alteration, located in exon 2 (coding exon 2) of the RASA1 gene, consists of a duplication of A at position 611. This changes the amino acid from a tyrosine (Y) to a stop codon at amino acid position 204. This alteration is expected to result in loss of function by premature protein truncation or nonsense-mediated mRNA decay. This variant was not reported in population-based cohorts in the Genome Aggregation Database (gnomAD). This variant was reported in an individual with features consistent with RASA1-related capillary malformation-arteriovenous malformation syndrome (Wooderchak-Donahue, 2018). Based on the available evidence, this alteration is classified as pathogenic.

Labcorp Genetics (formerly Invitae), Labcorp
Classification: Pathogenic for Capillary malformation-arteriovenous malformation syndrome. Last evaluated: 2023-12-30. Review status: criteria provided, single submitter. Criteria: Invitae Variant Classification Sherloc (09022015). Collection method: clinical testing. Allele origin: germline.
Comment: This sequence change creates a premature translational stop signal (p.Tyr204*) in the RASA1 gene. It is expected to result in an absent or disrupted protein product. Loss-of-function variants in RASA1 are known to be pathogenic (PMID: 24038909). This variant is not present in population databases (gnomAD no frequency). This premature translational stop signal has been observed in individual(s) with RASA1-related conditions (PMID: 29891884). ClinVar contains an entry for this variant (Variation ID: 2152003). For these reasons, this variant has been classified as Pathogenic.

Literature cited by the submitters: PubMed 29891884 (cited by Ambry Genetics and Labcorp Genetics (formerly Invitae), Labcorp); PubMed 24038909 (cited by Labcorp Genetics (formerly Invitae), Labcorp).

NM_002890.3(RASA1):c.611dup (p.Tyr204Ter)

Genes: CCNH (cyclin H; minus strand), RASA1 (RAS p21 protein activator 1; plus strand). Cytogenetic location: 5q14.3.
Variant type: Duplication.
Coding change: c.611dup on transcript NM_002890.3 (MANE Select); coding-DNA position 611, one base duplicated (A; older notation c.611dupA).
Protein change: p.Tyr204Ter; replaces tyrosine 204 with a stop codon.
Molecular consequence: nonsense. On other transcripts: intron variant (1).
Genome position (GRCh38, 1-based): chr5:87,331,419, A duplicated. VCF-style (leftmost placement, unchanged base first): chr5-87331418-T-TA. GRCh37 (hg19) VCF-style: chr5-86627235-T-TA.
Other names: c.611dupA (NM_002890.3); c.80dup, p.Tyr27Ter (NM_022650.3); c.934-18624dup (NM_001364075.2); short protein forms Y27*, Y204*.
Identifiers: ClinVar variation 2152003 (VCV002152003.4), dbSNP rs2531187455, ClinGen allele CA2580073668.